The following is an entry in ClinVar:

ClinVar aggregate classification (germline): Uncertain significance (1 of 4 stars; one submission).

Conditions:
Inborn genetic diseases. Identifiers: MedGen C0950123, MeSH D030342.

Submission:

Ambry Genetics
Classification: Uncertain significance for Inborn genetic diseases. Last evaluated: 2023-12-08. Review status: criteria provided, single submitter. Criteria: Ambry Variant Classification Scheme 2023. Collection method: clinical testing. Allele origin: germline.
Comment: The p.V2194A variant (also known as c.6581T>C), located in coding exon 45 of the LRRK2 gene, results from a T to C substitution at nucleotide position 6581. The valine at codon 2194 is replaced by alanine, an amino acid with similar properties. This amino acid position is conserved. In addition, this alteration is predicted to be tolerated by in silico analysis. Since supporting evidence is limited at this time, the clinical significance of this alteration remains unclear.

NM_198578.4(LRRK2):c.6581T>C (p.Val2194Ala)

Gene: LRRK2 (leucine rich repeat kinase 2; plus strand). Cytogenetic location: 12q12.
Variant type: single nucleotide variant.
Coding change: c.6581T>C on transcript NM_198578.4 (MANE Select); coding-DNA position 6581, T replaced by C.
Protein change: p.Val2194Ala; replaces valine 2194 with alanine.
Molecular consequence: missense variant.
Genome position (GRCh38, 1-based): chr12:40,354,303, T>C. VCF-style: chr12-40354303-T-C. GRCh37 (hg19) VCF-style: chr12-40748105-T-C.
Other names: short protein forms V2194A.
Identifiers: ClinVar variation 3229741 (VCV003229741.1), dbSNP rs2499993144, ClinGen allele CA384408732.
Genomic context (GRCh38, chr12:40,354,303, plus strand): 5'-TCTAGTTGCTTAAGCTTAAATCAAATCCTGCTAAGTATATTTTCTTTTCTTAACAGGAAG[T>C]TGCTGATAGTAGAATATTGTGCTTAGCCTTGGTGCATCTTCCTGTTGAAAAGGAAAGCTG-3'
Protein context (NP_940980.4, residues 2184-2204): LNTEGYTSEE[Val2194Ala]ADSRILCLAL